The following is an entry in ClinVar:

ClinVar aggregate classification (germline): Uncertain significance (1 of 4 stars; one submission).

Conditions:
Early-infantile DEE. Also called: Ohtahara syndrome; Early infantile epileptic encephalopathy with suppression bursts; Early infantile epileptic encephalopathy. Identifiers: Orphanet 1934, MedGen C0393706, MONDO:0800491.

Allele frequency attached by ClinVar (database versions not stated): gnomAD exomes below 0.00001; TOPMed below 0.00001.
gnomAD v4.1: 8 of 1,614,036 alleles (0.0005%); highest among the groups gnomAD compares: East Asian, 0.0022%; no homozygotes.

Submission:

Labcorp Genetics (formerly Invitae), Labcorp
Classification: Uncertain significance for Early-infantile DEE. Last evaluated: 2022-06-29. Review status: criteria provided, single submitter. Criteria: Invitae Variant Classification Sherloc (09022015). Collection method: clinical testing. Allele origin: germline.
Comment: In summary, the available evidence is currently insufficient to determine the role of this variant in disease. Therefore, it has been classified as a Variant of Uncertain Significance. Experimental studies and prediction algorithms are not available or were not evaluated, and the functional significance of this variant is currently unknown. This variant has not been reported in the literature in individuals affected with KCNH5-related conditions. This variant is present in population databases (no rsID available, gnomAD 0.01%). This sequence change creates a premature translational stop signal (p.Arg813*) in the KCNH5 gene. While this is not anticipated to result in nonsense mediated decay, it is expected to disrupt the last 176 amino acid(s) of the KCNH5 protein.

NM_139318.5(KCNH5):c.2437C>T (p.Arg813Ter)

Gene: KCNH5 (potassium voltage-gated channel subfamily H member 5; minus strand). Cytogenetic location: 14q23.2.
Variant type: single nucleotide variant.
Coding change: c.2437C>T on transcript NM_139318.5 (MANE Select); coding-DNA position 2437, C replaced by T.
Protein change: p.Arg813Ter; replaces arginine 813 with a stop codon.
Molecular consequence: nonsense. On other transcripts: 3 prime UTR variant (1).
Genome position (GRCh38, 1-based): chr14:62,708,038, G>A on the plus strand (C>T on the coding strand, the complement: KCNH5 is on the minus strand). VCF-style: chr14-62708038-G-A. GRCh37 (hg19) VCF-style: chr14-63174756-G-A.
Other names: c.*404C>T (NM_172375.3); short protein forms R813*.
Identifiers: ClinVar variation 1926953 (VCV001926953.5), dbSNP rs1479096784, ClinGen allele CA390100611.